The following is an entry in ClinVar:

ClinVar aggregate classification (germline): Uncertain significance. Review status: criteria provided, multiple submitters, no conflicts (2 of 4 stars). 2 submissions from 2 submitters: Uncertain significance (2). Last evaluated 2024-05-15.

Conditions:
Hereditary cancer-predisposing syndrome. Also called: Neoplastic Syndromes, Hereditary; Tumor predisposition; Hereditary Cancer Syndrome; Hereditary neoplastic syndrome. Identifiers: Orphanet 140162, MedGen C0027672, MeSH D009386, MONDO:0015356.
Familial adenomatous polyposis 1 (FAP1). Also called: FAMILIAL ADENOMATOUS POLYPOSIS 1, ATTENUATED; POLYPOSIS, ADENOMATOUS INTESTINAL. Identifiers: MedGen C2713442, MONDO:0021056, OMIM 175100. Disease mechanism: loss of function.

Submissions (2):

Labcorp Genetics (formerly Invitae), Labcorp
Classification: Uncertain significance for Familial adenomatous polyposis 1. Last evaluated: 2024-05-15. Review status: criteria provided, single submitter. Criteria: Invitae Variant Classification Sherloc (09022015). Collection method: clinical testing. Allele origin: germline.
Comment: This sequence change replaces serine, which is neutral and polar, with arginine, which is basic and polar, at codon 787 of the APC protein (p.Ser787Arg). This variant is not present in population databases (gnomAD no frequency). This variant has not been reported in the literature in individuals affected with APC-related conditions. ClinVar contains an entry for this variant (Variation ID: 926548). Advanced modeling of protein sequence and biophysical properties (such as structural, functional, and spatial information, amino acid conservation, physicochemical variation, residue mobility, and thermodynamic stability) performed at Invitae indicates that this missense variant is not expected to disrupt APC protein function with a negative predictive value of 95%. In summary, the available evidence is currently insufficient to determine the role of this variant in disease. Therefore, it has been classified as a Variant of Uncertain Significance.

Color Diagnostics, LLC DBA Color Health
Classification: Uncertain significance for Hereditary cancer-predisposing syndrome. Last evaluated: 2024-03-06. Review status: criteria provided, single submitter. Criteria: ACMG Guidelines, 2015. Collection method: clinical testing. Allele origin: germline.
Comment: This missense variant replaces serine with arginine at codon 787 of the APC protein. Computational prediction suggests that this variant may not impact protein structure and function (internally defined REVEL score threshold <= 0.5, PMID: 27666373). Splice site prediction tools suggest that this variant may impact RNA splicing. To our knowledge, functional studies have not been performed for this variant. This variant has not been reported in individuals affected with hereditary cancer in the literature. This variant has not been identified in the general population by the Genome Aggregation Database (gnomAD). The available evidence is insufficient to determine the role of this variant in disease conclusively. Therefore, this variant is classified as a Variant of Uncertain Significance.

NM_000038.6(APC):c.2361T>G (p.Ser787Arg)

Gene: APC (APC regulator of Wnt signaling pathway; plus strand). Cytogenetic location: 5q22.2.
Variant type: single nucleotide variant.
Coding change: c.2361T>G on transcript NM_000038.6 (MANE Select); coding-DNA position 2361, T replaced by G.
Protein change: p.Ser787Arg; replaces serine 787 with arginine.
Molecular consequence: missense variant.
Genome position (GRCh38, 1-based): chr5:112,837,955, T>G. VCF-style: chr5-112837955-T-G. GRCh37 (hg19) VCF-style: chr5-112173652-T-G.
Other names: c.2361T>G, p.Ser787Arg (NM_001127510.3, NM_001354895.2); c.2307T>G, p.Ser769Arg (NM_001127511.3); c.2415T>G, p.Ser805Arg (NM_001354896.2); c.2391T>G, p.Ser797Arg (NM_001354897.2); c.2286T>G, p.Ser762Arg (NM_001354898.2); c.2277T>G, p.Ser759Arg (NM_001354899.2); c.2238T>G, p.Ser746Arg (NM_001354900.2); c.2184T>G, p.Ser728Arg (NM_001354901.2); and 5 more; short protein forms S627R, S746R, S769R, S787R, S661R, S686R, S728R, S759R.
Identifiers: ClinVar variation 926548 (VCV000926548.6), dbSNP rs1339834096, ClinGen allele CA16026514.